The following is an entry in ClinVar:

ClinVar aggregate classification (germline): Likely benign. Review status: criteria provided, multiple submitters, no conflicts (2 of 4 stars). 4 submissions from 4 submitters: Likely benign (4). Last evaluated 2026-01-26.

Conditions:
Tumor predisposition syndrome 3 (TPDS3). Also called: Glioma susceptibility 9; LONG TELOMERE SYNDROME, POT1-RELATED; POT1 Tumor Predisposition; Melanoma, cutaneous malignant, susceptibility to, 10. Identifiers: Orphanet 618, MedGen C4014476, MONDO:0014368, OMIM 615848.
Hereditary cancer-predisposing syndrome. Also called: Hereditary neoplastic syndrome; Hereditary Cancer Syndrome; Neoplastic Syndromes, Hereditary; Tumor predisposition. Identifiers: Orphanet 140162, MedGen C0027672, MeSH D009386, MONDO:0015356.

Allele frequency attached by ClinVar (database versions not stated): gnomAD 0.00004; gnomAD exomes 0.00001 and 0.00003; ExAC 0.00002; TOPMed 0.00003.
gnomAD v4.1: 56 of 1,592,806 alleles (0.0035%); highest among the groups gnomAD compares: Non-Finnish European, 0.0044%; no homozygotes.

Submissions (4):

Labcorp Genetics (formerly Invitae), Labcorp
Classification: Likely benign for Tumor predisposition syndrome 3. Last evaluated: 2026-01-26. Review status: criteria provided, single submitter. Criteria: Invitae Variant Classification Sherloc (09022015). Collection method: clinical testing. Allele origin: germline.

Quest Diagnostics Nichols Institute San Juan Capistrano
Classification: Likely benign. Last evaluated: 2023-06-13. Review status: criteria provided, single submitter. Criteria: Quest Diagnostics criteria. Collection method: clinical testing. Allele origin: unknown.

GeneDx
Classification: Likely benign. Last evaluated: 2018-05-09. Review status: criteria provided, single submitter. Criteria: GeneDx Variant Classification (06012015). Collection method: clinical testing. Allele origin: germline. Affected: yes.
Comment: This variant is considered likely benign or benign based on one or more of the following criteria: it is a conservative change, it occurs at a poorly conserved position in the protein, it is predicted to be benign by multiple in silico algorithms, and/or has population frequency not consistent with disease.

Ambry Genetics
Classification: Likely benign for Hereditary cancer-predisposing syndrome. Last evaluated: 2018-03-20. Review status: criteria provided, single submitter. Criteria: Ambry Variant Classification Scheme 2023. Collection method: clinical testing. Allele origin: germline.

NM_015450.3(POT1):c.1803G>A (p.Pro601=)

Gene: POT1 (protection of telomeres 1; minus strand). Cytogenetic location: 7q31.33.
Variant type: single nucleotide variant.
Coding change: c.1803G>A on transcript NM_015450.3 (MANE Select); coding-DNA position 1803, G replaced by A.
Protein change: p.Pro601=; no amino-acid change (proline 601 retained).
Molecular consequence: synonymous variant. On other transcripts: non-coding transcript variant (3).
Genome position (GRCh38, 1-based): chr7:124,824,064, C>T on the plus strand (G>A on the coding strand, the complement: POT1 is on the minus strand). VCF-style: chr7-124824064-C-T. GRCh37 (hg19) VCF-style: chr7-124464118-C-T.
Other names: c.1410G>A, p.Pro470= (NM_001042594.2).
Identifiers: ClinVar variation 475062 (VCV000475062.18), dbSNP rs754981355, ClinGen allele CA4464963.